The following is an entry in ClinVar:

NM_001846.4(COL4A2):c.3454+13G>A

Gene: COL4A2 (collagen type IV alpha 2 chain; plus strand). Cytogenetic location: 13q34.
Variant type: single nucleotide variant.
Coding change: c.3454+13G>A on transcript NM_001846.4 (MANE Select); 13 bases into the intron after coding-DNA position 3454, G replaced by A.
Molecular consequence: intron variant.
Genome position (GRCh38, 1-based): chr13:110,491,353, G>A. VCF-style: chr13-110491353-G-A. GRCh37 (hg19) VCF-style: chr13-111143700-G-A.
Identifiers: ClinVar variation 883602 (VCV000883602.13), dbSNP rs200830236, ClinGen allele CA7050215.

ClinVar aggregate classification (germline): Benign/Likely benign. Review status: criteria provided, multiple submitters, no conflicts (2 of 4 stars). 4 submissions from 4 submitters: Benign (3); Likely benign (1). Last evaluated 2025-07-21.

Conditions:
Brain small vessel disease 2A, autosomal dominant. Also called: Porencephaly 2. Identifiers: Orphanet 2940, Orphanet 99810, MedGen C3280970, MONDO:0013773, OMIM 614483.

Allele frequency attached by ClinVar (database versions not stated): gnomAD exomes 0.00015 and 0.00026; ExAC 0.00066; gnomAD 0.00148 and 0.00155; 1000 Genomes Project 30x 0.00172; TOPMed 0.00178; 1000 Genomes Project 0.00180; ESP Exome Variant Server 0.00220.
gnomAD v4.1: 440 of 1,533,710 alleles (0.029%); highest among the groups gnomAD compares: African/African-American, 0.54%; no homozygotes.

Submissions (4):

Labcorp Genetics (formerly Invitae), Labcorp
Classification: Benign. Last evaluated: 2025-07-21. Review status: criteria provided, single submitter. Criteria: Invitae Variant Classification Sherloc (09022015). Collection method: clinical testing. Allele origin: germline.

Blueprint Genetics
Classification: Likely benign. Last evaluated: 2024-06-05. Review status: criteria provided, single submitter. Criteria: ACMG Guidelines, 2015. Collection method: clinical testing. Allele origin: germline.

Illumina Laboratory Services, Illumina
Classification: Benign for Brain small vessel disease 2A, autosomal dominant. Last evaluated: 2018-01-13. Review status: criteria provided, single submitter. Criteria: ICSL Variant Classification Criteria 13 December 2019. Collection method: clinical testing. Allele origin: germline.
Comment: This variant was observed in the ICSL laboratory as part of a predisposition screen in an ostensibly healthy population. It had not been previously curated by ICSL or reported in the Human Gene Mutation Database (HGMD: prior to June 1st, 2018), and was therefore a candidate for classification through an automated scoring system. Utilizing variant allele frequency, disease prevalence and penetrance estimates, and inheritance mode, an automated score was calculated to assess if this variant is too frequent to cause the disease. Based on the score and internal cut-off values, a variant classified as benign is not then subjected to further curation. The score for this variant resulted in a classification of benign for this disease.

Breakthrough Genomics
Classification: Benign. Review status: criteria provided, single submitter. Criteria: ACMG Guidelines, 2015. Collection method: not provided. Allele origin: germline. Inheritance: Autosomal dominant inheritance. Affected: yes.